The following is an entry in ClinVar:

ClinVar aggregate classification (germline): Benign/Likely benign. Review status: criteria provided, multiple submitters, no conflicts (2 of 4 stars). 2 submissions from 2 submitters: Benign (1); Likely benign (1). Last evaluated 2025-12-24.

Conditions:
Brugada syndrome 4 (BRGDA4). Identifiers: Orphanet 130, MedGen C2678477, MONDO:0012743, OMIM 611876.

Allele frequency attached by ClinVar (database versions not stated): 1000 Genomes Project 30x 0.00016; TOPMed 0.00016.
gnomAD v4.1: 121 of 1,612,844 alleles (0.0075%); highest among the groups gnomAD compares: East Asian, 0.26%; no homozygotes.

Submissions (2):

Labcorp Genetics (formerly Invitae), Labcorp
Classification: Benign for Brugada syndrome 4. Last evaluated: 2025-12-24. Review status: criteria provided, single submitter. Criteria: Invitae Variant Classification Sherloc (09022015). Collection method: clinical testing. Allele origin: germline.

GeneDx
Classification: Likely benign. Last evaluated: 2017-08-23. Review status: criteria provided, single submitter. Criteria: GeneDx Variant Classification (06012015). Collection method: clinical testing. Allele origin: germline. Affected: yes.
Comment: This variant is considered likely benign or benign based on one or more of the following criteria: it is a conservative change, it occurs at a poorly conserved position in the protein, it is predicted to be benign by multiple in silico algorithms, and/or has population frequency not consistent with disease.

NM_201596.3(CACNB2):c.944+12A>T

Gene: CACNB2 (calcium voltage-gated channel auxiliary subunit beta 2; plus strand). Cytogenetic location: 10p12.31.
Variant type: single nucleotide variant.
Coding change: c.944+12A>T on transcript NM_201596.3 (MANE Select); 12 bases into the intron after coding-DNA position 944, A replaced by T.
Molecular consequence: intron variant.
Genome position (GRCh38, 1-based): chr10:18,518,980, A>T. VCF-style: chr10-18518980-A-T. GRCh37 (hg19) VCF-style: chr10-18807909-A-T.
Other names: c.860+12A>T (NM_201571.4); c.746+12A>T (NM_001167945.2); c.788+12A>T (NM_201572.4); c.830+12A>T (NM_201593.3); c.872+12A>T (NM_201597.3); c.779+12A>T (NM_000724.4); c.665+12A>T (NM_001330060.2); c.782+12A>T (NM_201590.3); and 1 more.
Identifiers: ClinVar variation 511662 (VCV000511662.9), dbSNP rs144304963, ClinGen allele CA5429827.